The following is an entry in ClinVar:

NM_000238.4(KCNH2):c.1220A>G (p.Lys407Arg)

Gene: KCNH2 (potassium voltage-gated channel subfamily H member 2; minus strand). Cytogenetic location: 7q36.1.
Variant type: single nucleotide variant.
Coding change: c.1220A>G on transcript NM_000238.4 (MANE Select); coding-DNA position 1220, A replaced by G.
Protein change: p.Lys407Arg; replaces lysine 407 with arginine.
Molecular consequence: missense variant. On other transcripts: non-coding transcript variant (2).
Genome position (GRCh38, 1-based): chr7:150,952,762, T>C on the plus strand (A>G on the coding strand, the complement: KCNH2 is on the minus strand). VCF-style: chr7-150952762-T-C. GRCh37 (hg19) VCF-style: chr7-150649850-T-C.
Other names: c.200A>G, p.Lys67Arg (NM_001204798.2, NM_172057.3); c.932A>G, p.Lys311Arg (NM_001406753.1, NM_001406756.1); c.1043A>G, p.Lys348Arg (NM_001406755.1); c.920A>G, p.Lys307Arg (NM_001406757.1); c.1220A>G, p.Lys407Arg (NM_172056.3); short protein forms K307R, K348R, K311R, K67R, K407R.
Identifiers: ClinVar variation 4724720 (VCV004724720.1).
Genomic context (GRCh38, chr7:150,952,762, plus strand): 5'-TAGGGTGTGAAGACAGCCGTGTAGATGACCAGCAGCAGGATGAGCCAGTCCCACACGGCC[T>C]TGAAGGGGCTGTAATGCAGGATGGTCCAGCGGTGGATGCGCGGTGCCTGCAGCTTGTACT-3'
Protein context (NP_000229.1, residues 397-417): RWTILHYSPF[Lys407Arg]AVWDWLILLL

ClinVar aggregate classification (germline): Uncertain significance (1 of 4 stars; one submission).

Conditions:
Long QT syndrome (LQTS). Identifiers: MedGen C0023976, MeSH D008133, MONDO:0002442. Disease mechanism: loss of function. Inheritance: Various modes of inheritance.

Submission:

Labcorp Genetics (formerly Invitae), Labcorp
Classification: Uncertain significance for Long QT syndrome. Last evaluated: 2025-08-03. Review status: criteria provided, single submitter. Criteria: Invitae Variant Classification Sherloc (09022015). Collection method: clinical testing. Allele origin: germline.
Comment: This sequence change replaces lysine, which is basic and polar, with arginine, which is basic and polar, at codon 407 of the KCNH2 protein (p.Lys407Arg). This variant is not present in population databases (gnomAD no frequency). This variant has not been reported in the literature in individuals affected with KCNH2-related conditions. An algorithm developed to predict the effect of missense changes on protein structure and function (PolyPhen-2) suggests that this variant is likely to be disruptive. In summary, the available evidence is currently insufficient to determine the role of this variant in disease. Therefore, it has been classified as a Variant of Uncertain Significance.